The following is an entry in ClinVar:

NM_138387.4(G6PC3):c.647C>T (p.Thr216Ile)

Gene: G6PC3 (glucose-6-phosphatase catalytic subunit 3; plus strand). Cytogenetic location: 17q21.31.
Variant type: single nucleotide variant.
Coding change: c.647C>T on transcript NM_138387.4 (MANE Select); coding-DNA position 647, C replaced by T.
Protein change: p.Thr216Ile; replaces threonine 216 with isoleucine.
Molecular consequence: missense variant. On other transcripts: synonymous variant (1).
Genome position (GRCh38, 1-based): chr17:44,075,421, C>T. VCF-style: chr17-44075421-C-T. GRCh37 (hg19) VCF-style: chr17-42152789-C-T.
Other names: c.528C>T, p.Asp176= (NM_001319945.2); c.302C>T, p.Thr101Ile (NM_001384165.1, NM_001384166.1, NM_001384167.1 and 1 more transcripts); short protein forms T216I, T101I.
Identifiers: ClinVar variation 323467 (VCV000323467.20), dbSNP rs34406052, ClinGen allele CA8596104.
Genomic context (GRCh38, chr17:44,075,421, plus strand): 5'-TAAGCTTCTATGGGTTGACTGCACTGGCCCTCATGCTAGGCACCAGCCTCATCTATTGGA[C>T]CCTCTTTACACTGGGCCTGGATCTTTCTTGGTAAGTCTCGCTTTGAAGCCTGGGCAGGCT-3'
Protein context (NP_612396.1, residues 206-226): LMLGTSLIYW[Thr216Ile]LFTLGLDLSW

ClinVar aggregate classification (germline): Benign/Likely benign. Review status: criteria provided, multiple submitters, no conflicts (2 of 4 stars). 7 submissions from 7 submitters: Benign (4); Likely benign (1). 2 of the submissions do not count toward it. Last evaluated 2026-02-01.

Conditions:
Autosomal recessive severe congenital neutropenia due to G6PC3 deficiency. Also called: NEUTROPENIA, SEVERE CONGENITAL, 4, AUTOSOMAL RECESSIVE; G6PC3 Deficiency. Identifiers: Orphanet 331176, MedGen C2751630, MONDO:0012930, OMIM 612541.

Allele frequency attached by ClinVar (database versions not stated): 1000 Genomes Project 0.01238; gnomAD 0.01325 and 0.01442; ESP Exome Variant Server 0.01453; gnomAD exomes 0.00154 and 0.00320; TOPMed 0.01544; ExAC 0.00376; 1000 Genomes Project 30x 0.01280.
gnomAD v4.1: 4,325 of 1,614,152 alleles (0.27%); highest among the groups gnomAD compares: African/African-American, 4.7%; 75 homozygotes.

Submissions (7):

Labcorp Genetics (formerly Invitae), Labcorp
Classification: Benign for Autosomal recessive severe congenital neutropenia due to G6PC3 deficiency. Last evaluated: 2026-02-01. Review status: criteria provided, single submitter. Criteria: Invitae Variant Classification Sherloc (09022015). Collection method: clinical testing. Allele origin: germline.

Women's Health and Genetics/Laboratory Corporation of America, LabCorp
Classification: Likely benign. Last evaluated: 2026-01-22. Review status: criteria provided, single submitter. Criteria: LabCorp Variant Classification Summary - May 2015. Collection method: clinical testing. Allele origin: germline.

Mayo Clinic Laboratories, Mayo Clinic
Classification: Benign. Last evaluated: 2018-11-07. Review status: criteria provided, single submitter. Criteria: ACMG Guidelines, 2015. Collection method: clinical testing. Allele origin: germline. Observed: 22 variant alleles.

Illumina Laboratory Services, Illumina
Classification: Benign for Autosomal recessive severe congenital neutropenia due to G6PC3 deficiency. Last evaluated: 2018-01-13. Review status: criteria provided, single submitter. Criteria: ICSL Variant Classification Criteria 13 December 2019. Collection method: clinical testing. Allele origin: germline.
Comment: This variant was observed in the ICSL laboratory as part of a predisposition screen in an ostensibly healthy population. It had not been previously curated by ICSL or reported in the Human Gene Mutation Database (HGMD: prior to June 1st, 2018), and was therefore a candidate for classification through an automated scoring system. Utilizing variant allele frequency, disease prevalence and penetrance estimates, and inheritance mode, an automated score was calculated to assess if this variant is too frequent to cause the disease. Based on the score and internal cut-off values, a variant classified as benign is not then subjected to further curation. The score for this variant resulted in a classification of benign for this disease.

Breakthrough Genomics
Classification: Benign. Review status: criteria provided, single submitter. Criteria: ACMG Guidelines, 2015. Collection method: not provided. Allele origin: germline. Inheritance: Autosomal recessive inheritance. Affected: yes.

Genome Diagnostics Laboratory, University Medical Center Utrecht
Classification: Benign. Review status: no assertion criteria provided. Collection method: clinical testing. Allele origin: germline. Affected: yes. Study: VKGL Data-share Consensus. Not counted in ClinVar's aggregate classification.

Laboratory of Diagnostic Genome Analysis, Leiden University Medical Center (LUMC)
Classification: Likely benign. Review status: no assertion criteria provided. Collection method: clinical testing. Allele origin: germline. Affected: yes. Study: VKGL Data-share Consensus. Not counted in ClinVar's aggregate classification.